The following is an entry in ClinVar:

NM_024757.5(EHMT1):c.1947G>A (p.Ser649=)

Gene: EHMT1 (euchromatic histone lysine methyltransferase 1; plus strand). Cytogenetic location: 9q34.3.
Variant type: single nucleotide variant.
Coding change: c.1947G>A on transcript NM_024757.5 (MANE Select); coding-DNA position 1947, G replaced by A.
Protein change: p.Ser649=; no amino-acid change (serine 649 retained).
Molecular consequence: synonymous variant.
Genome position (GRCh38, 1-based): chr9:137,776,773, G>A. VCF-style: chr9-137776773-G-A. GRCh37 (hg19) VCF-style: chr9-140671225-G-A.
Other names: c.1947G>A, p.Ser649= (NM_001145527.2); c.1854G>A, p.Ser618= (NM_001354259.2); c.1926G>A, p.Ser642= (NM_001354263.2).
Identifiers: ClinVar variation 286384 (VCV000286384.26), dbSNP rs139206060, ClinGen allele CA5374759.
Genomic context (GRCh38, chr9:137,776,773, plus strand): 5'-CTGTGGGGAGGAGAGCTCCAAGGCCAAAGAGGTGACGATAGCTAAAGCAGACACCACCTC[G>A]ACCGTGACACCAGTCCCCGGGCAGGAGAAGGGCTCGGCCCTGGAGGGCAGGGCCGACACC-3'
Protein context (NP_079033.4, residues 639-659): EVTIAKADTT[Ser649=]TVTPVPGQEK

ClinVar aggregate classification (germline): Conflicting classifications of pathogenicity. Review status: criteria provided, conflicting classifications (1 of 4 stars). 6 submissions from 6 submitters: Uncertain significance (1); Benign (2); Likely benign (2). 1 of the submissions does not count toward it. Last evaluated 2025-12-01.

Conditions:
Kleefstra syndrome 1 (KLEFS1). Identifiers: Orphanet 261494, MedGen C0795833, MONDO:0027407, OMIM 610253.
Inborn genetic diseases. Identifiers: MedGen C0950123, MeSH D030342.
EHMT1-related disorder. Also called: EHMT1-related condition.

Allele frequency attached by ClinVar (database versions not stated): gnomAD 0.00017; TOPMed 0.00017; ExAC 0.00020; gnomAD exomes 0.00021; ESP Exome Variant Server 0.00023; 1000 Genomes Project 30x 0.00047; 1000 Genomes Project 0.00060.
gnomAD v4.1: 131 of 1,613,998 alleles (0.0081%); highest among the groups gnomAD compares: South Asian, 0.079%; no homozygotes.

Submissions (6):

Labcorp Genetics (formerly Invitae), Labcorp
Classification: Benign for Kleefstra syndrome 1. Last evaluated: 2025-12-01. Review status: criteria provided, single submitter. Criteria: Invitae Variant Classification Sherloc (09022015). Collection method: clinical testing. Allele origin: germline.

Blueprint Genetics
Classification: Likely benign. Last evaluated: 2024-05-22. Review status: criteria provided, single submitter. Criteria: ACMG Guidelines, 2015. Collection method: clinical testing. Allele origin: germline.

GeneDx
Classification: Benign. Last evaluated: 2019-08-22. Review status: criteria provided, single submitter. Criteria: GeneDx Variant Classification Process June 2021. Collection method: clinical testing. Allele origin: germline. Affected: yes.

Ambry Genetics
Classification: Likely benign for Inborn genetic diseases. Last evaluated: 2017-05-18. Review status: criteria provided, single submitter. Criteria: Ambry Variant Classification Scheme 2023. Collection method: clinical testing. Allele origin: germline.

Eurofins Ntd Llc (ga)
Classification: Uncertain significance. Last evaluated: 2016-03-01. Review status: criteria provided, single submitter. Criteria: EGL Classification Definitions 2015. Collection method: clinical testing. Allele origin: germline. Observed: 1 variant allele, 1 heterozygote.

PreventionGenetics, part of Exact Sciences
Classification: Likely benign for EHMT1-related condition. Last evaluated: 2024-01-08. Review status: no assertion criteria provided. Collection method: clinical testing. Allele origin: germline. Not counted in ClinVar's aggregate classification.
Comment: This variant is classified as likely benign based on ACMG/AMP sequence variant interpretation guidelines (Richards et al. 2015 PMID: 25741868, with internal and published modifications).